The following is an entry in ClinVar:

NM_002693.3(POLG):c.126GCA[17] (p.Gln50_Gln55dup)

Genes: POLG (DNA polymerase gamma, catalytic subunit; minus strand), POLGARF (POLG alternative reading frame; minus strand). Cytogenetic location: 15q26.1.
Variant type: Microsatellite.
Coding change: c.126GCA[17] on transcript NM_002693.3 (MANE Select); 17 copies in a row of the 3-base unit GCA starting at c.126; the reference has 11 copies in a row; six copies, 18 bases duplicated.
Protein change: p.Gln50_Gln55dup.
Molecular consequence: inframe insertion.
Genome position (GRCh38, 1-based): chr15:89,333,597-89,333,614, TGCTGCTGCTGCTGCTGC duplicated on the plus strand (GCAGCAGCAGCAGCAGCA on the coding strand, the reverse complement: POLG is on the minus strand); duplicating any 18 consecutive bases within chr15:89,333,597-89,333,629 gives the same sequence; the position shown is the placement nearest the transcript's 3' end. VCF-style (leftmost placement, unchanged base first): chr15-89333596-T-TTGCTGCTGCTGCTGCTGC. GRCh37 (hg19) VCF-style: chr15-89876827-T-TTGCTGCTGCTGCTGCTGC.
Other names: c.126GCA[17], p.Gln50_Gln55dup (NM_001126131.2).
Identifiers: ClinVar variation 507643 (VCV000507643.51), dbSNP rs41550117, ClinGen allele CA658798420.

ClinVar aggregate classification (germline): Conflicting classifications of pathogenicity. Review status: criteria provided, conflicting classifications (1 of 4 stars). 4 submissions from 4 submitters: Uncertain significance (2); Likely benign (2). Last evaluated 2026-03-31.

Conditions:
POLG-related disorder. Also called: POLG-related condition; POLG-Related Disorders; POLG-Related Spectrum Disorders. Identifiers: MedGen C4763519.
Progressive sclerosing poliodystrophy (MTDPS4A). Also called: Alpers-Huttenlocher Syndrome (AHS); ALPERS PROGRESSIVE INFANTILE POLIODYSTROPHY; Alpers Syndrome; ALPERS DIFFUSE DEGENERATION OF CEREBRAL GRAY MATTER WITH HEPATIC CIRRHOSIS; Alpers-Huttenlocher Syndrome; NEURONAL DEGENERATION OF CHILDHOOD WITH LIVER DISEASE, PROGRESSIVE. Identifiers: Orphanet 726, MedGen C0205710, MONDO:0008758, OMIM 203700.

Submissions (4):

PreventionGenetics, part of Exact Sciences
Classification: Uncertain significance for POLG-related condition. Last evaluated: 2026-03-31. Review status: criteria provided, single submitter. Criteria: ACMG Guidelines, 2015. Collection method: clinical testing. Allele origin: germline.
Comment: The POLG c.141_158dup18 variant is predicted to result in an in-frame duplication (p.Gln50_Gln55dup). This variant is located in the glutamine (Gln) repeat region of exon 2 and to our knowledge, repeat variations in this region have not been reported to be conclusively related to human diseases in the literature. In ClinVar, these repeat variations were classified as a variant of uncertain significance or likely benign/benign (Variation ID: 507643). Although we suspect this repeat variant is benign, at this time, the clinical significance of this variant is uncertain due to the absence of conclusive functional and genetic evidence.

Labcorp Genetics (formerly Invitae), Labcorp
Classification: Uncertain significance for Progressive sclerosing poliodystrophy. Last evaluated: 2025-06-04. Review status: criteria provided, single submitter. Criteria: Invitae Variant Classification Sherloc (09022015). Collection method: clinical testing. Allele origin: germline.
Comment: This variant, c.141_158dup, results in the insertion of 6 amino acid(s) of the POLG protein (p.Gln50_Gln55dup), but otherwise preserves the integrity of the reading frame. This variant is not present in population databases (gnomAD no frequency). This variant has not been reported in the literature in individuals affected with POLG-related conditions. ClinVar contains an entry for this variant (Variation ID: 507643). Experimental studies and prediction algorithms are not available or were not evaluated, and the functional significance of this variant is currently unknown. In summary, the available evidence is currently insufficient to determine the role of this variant in disease. Therefore, it has been classified as a Variant of Uncertain Significance.

Blueprint Genetics
Classification: Likely benign. Last evaluated: 2021-12-16. Review status: criteria provided, single submitter. Criteria: ACMG Guidelines, 2015. Collection method: clinical testing. Allele origin: germline.

GeneDx
Classification: Likely benign. Last evaluated: 2020-07-14. Review status: criteria provided, single submitter. Criteria: GeneDx Variant Classification Process June 2021. Collection method: clinical testing. Allele origin: germline. Affected: yes.